The following is an entry in ClinVar:

ClinVar aggregate classification (germline): Uncertain significance (1 of 4 stars; one submission).

gnomAD v4.1: 72 of 1,522,936 alleles (0.0047%); highest among the groups gnomAD compares: African/African-American, 0.065%; 1 homozygote.

Submission:

Quest Diagnostics Nichols Institute San Juan Capistrano
Classification: Uncertain significance. Last evaluated: 2024-09-30. Review status: criteria provided, single submitter. Criteria: Quest Diagnostics criteria. Collection method: clinical testing. Allele origin: unknown.
Comment: The FANCA c.-4G>A variant has not been reported in individuals with FANCA-related conditions in the published literature. The frequency of this variant in the general population, 0.00013 (3/23952 chromosomes (Genome Aggregation Database)), is uninformative in the assessment of its pathogenicity. Based on the available information, we are unable to determine the clinical significance of this variant.

NM_000135.4(FANCA):c.-4G>A

Genes: FANCA (FA complementation group A; minus strand), LOC112486223 (Sharpr-MPRA regulatory region 3988; plus strand). Cytogenetic location: 16q24.3.
Variant type: single nucleotide variant.
Coding change: c.-4G>A on transcript NM_000135.4 (MANE Select); 4 bases upstream of the start codon, G replaced by A.
Molecular consequence: 5 prime UTR variant.
Genome position (GRCh38, 1-based): chr16:89,816,619, C>T on the plus strand (G>A on the coding strand, the complement: FANCA is on the minus strand). VCF-style: chr16-89816619-C-T. GRCh37 (hg19) VCF-style: chr16-89883027-C-T.
Other names: c.-4G>A (NM_001018112.3, NM_001286167.3, NM_001351830.2).
Identifiers: ClinVar variation 3572413 (VCV003572413.1).